The following is an entry in ClinVar:

ClinVar aggregate classification (germline): Uncertain significance (1 of 4 stars; one submission).

Conditions:
Pierson syndrome. Also called: MICROCORIA-CONGENITAL NEPHROTIC SYNDROME. Identifiers: Orphanet 2670, MedGen C1836876, MONDO:0012184, OMIM 609049.
LAMB2-related infantile-onset nephrotic syndrome. Also called: NEPHROTIC SYNDROME, TYPE 5, WITHOUT OCULAR ABNORMALITIES; NEPHROTIC SYNDROME, TYPE 5, WITH OCULAR ABNORMALITIES; Nephrotic Syndrome, type 5. Identifiers: Orphanet 306507, MedGen C3280113, MONDO:0013621, OMIM 614199.

Submission:

Labcorp Genetics (formerly Invitae), Labcorp
Classification: Uncertain significance for LAMB2-related infantile-onset nephrotic syndrome; Pierson syndrome. Last evaluated: 2018-08-21. Review status: criteria provided, single submitter. Criteria: Invitae Variant Classification Sherloc (09022015). Collection method: clinical testing. Allele origin: germline.
Comment: This sequence change replaces cysteine with tryptophan at codon 954 of the LAMB2 protein (p.Cys954Trp). The cysteine residue is highly conserved and there is a large physicochemical difference between cysteine and tryptophan. This variant is not present in population databases (ExAC no frequency). This variant has not been reported in the literature in individuals with LAMB2-related disease. Algorithms developed to predict the effect of missense changes on protein structure and function (SIFT, PolyPhen-2, Align-GVGD) all suggest that this variant is likely to be disruptive, but these predictions have not been confirmed by published functional studies and their clinical significance is uncertain. In summary, the available evidence is currently insufficient to determine the role of this variant in disease. Therefore, it has been classified as a Variant of Uncertain Significance.

NM_002292.4(LAMB2):c.2862C>G (p.Cys954Trp)

Gene: LAMB2 (laminin subunit beta 2; minus strand). Cytogenetic location: 3p21.31.
Variant type: single nucleotide variant.
Coding change: c.2862C>G on transcript NM_002292.4 (MANE Select); coding-DNA position 2862, C replaced by G.
Protein change: p.Cys954Trp; replaces cysteine 954 with tryptophan.
Molecular consequence: missense variant.
Genome position (GRCh38, 1-based): chr3:49,125,028, G>C on the plus strand (C>G on the coding strand, the complement: LAMB2 is on the minus strand). VCF-style: chr3-49125028-G-C. GRCh37 (hg19) VCF-style: chr3-49162461-G-C.
Other names: short protein forms C954W.
Identifiers: ClinVar variation 659645 (VCV000659645.6), dbSNP rs1376202280, ClinGen allele CA352715826.
Genomic context (GRCh38, chr3:49,125,028, plus strand): 5'-AACTCACCCTGATCCCACGCCTGCCCCCATCCACTCACCCGTATAGCCTGCCCGGCAGTG[G>C]CACACAATCTGCTGGGAATATTCATCCTGGTGGCAAGAAGTAGCAAAGTGCCGTTGGCTC-3'
Protein context (NP_002283.3, residues 944-964): HQDEYSQQIV[Cys954Trp]HCRAGYTGLR